The following is an entry in ClinVar:

ClinVar aggregate classification (germline): Uncertain significance. Review status: criteria provided, multiple submitters, no conflicts (2 of 4 stars). 3 submissions from 3 submitters: Uncertain significance (3). Last evaluated 2024-04-19.

Conditions:
Neuropathy, hereditary sensory and autonomic, type 2A (HSAN2A). Also called: MORVAN DISEASE; NEUROPATHY, CONGENITAL SENSORY; NEUROPATHY, HEREDITARY SENSORY RADICULAR, AUTOSOMAL RECESSIVE; NEUROPATHY, HEREDITARY SENSORY, TYPE IIA; NEUROPATHY, PROGRESSIVE SENSORY, OF CHILDREN; ACROOSTEOLYSIS, GIACCAI TYPE. Identifiers: Orphanet 970, MedGen C2752089, MONDO:0024309, OMIM 201300.
Pseudohypoaldosteronism type 2C (PHA2C). Also called: Pseudohypoaldosteronism Type IIC. Identifiers: Orphanet 757, Orphanet 88940, MedGen C1840391, MONDO:0013778, OMIM 614492.
Inborn genetic diseases. Identifiers: MedGen C0950123, MeSH D030342.

Allele frequency attached by ClinVar (database versions not stated): gnomAD exomes below 0.00001; gnomAD 0.00001; TOPMed 0.00001.
gnomAD v4.1: 7 of 1,612,442 alleles (0.00043%); highest among the groups gnomAD compares: African/African-American, 0.0053%; no homozygotes.

Submissions (3):

Fulgent Genetics
Classification: Uncertain significance for Neuropathy, hereditary sensory and autonomic, type 2A; Pseudohypoaldosteronism type 2C. Last evaluated: 2024-04-19. Review status: criteria provided, single submitter. Criteria: ACMG Guidelines, 2015. Collection method: clinical testing. Allele origin: germline.

Labcorp Genetics (formerly Invitae), Labcorp
Classification: Uncertain significance for Neuropathy, hereditary sensory and autonomic, type 2A; Pseudohypoaldosteronism type 2C. Last evaluated: 2023-08-27. Review status: criteria provided, single submitter. Criteria: Invitae Variant Classification Sherloc (09022015). Collection method: clinical testing. Allele origin: germline.
Comment: In summary, the available evidence is currently insufficient to determine the role of this variant in disease. Therefore, it has been classified as a Variant of Uncertain Significance. Advanced modeling of protein sequence and biophysical properties (such as structural, functional, and spatial information, amino acid conservation, physicochemical variation, residue mobility, and thermodynamic stability) performed at Invitae indicates that this missense variant is not expected to disrupt WNK1 protein function. ClinVar contains an entry for this variant (Variation ID: 1760196). This variant has not been reported in the literature in individuals affected with WNK1-related conditions. This variant is present in population databases (no rsID available, gnomAD 0.007%). This sequence change replaces lysine, which is basic and polar, with glutamic acid, which is acidic and polar, at codon 26 of the WNK1 protein (p.Lys26Glu).

Ambry Genetics
Classification: Uncertain significance for Inborn genetic diseases. Last evaluated: 2021-05-19. Review status: criteria provided, single submitter. Criteria: Ambry Variant Classification Scheme 2023. Collection method: clinical testing. Allele origin: germline.
Comment: The p.K26E variant (also known as c.76A>G), located in coding exon 1 of the WNK1 gene, results from an A to G substitution at nucleotide position 76. The lysine at codon 26 is replaced by glutamic acid, an amino acid with similar properties. This amino acid position is not well conserved in available vertebrate species, and glutamic acid is the reference amino acid in other vertebrate species. In addition, this alteration is predicted to be tolerated by in silico analysis. Since supporting evidence is limited at this time, the clinical significance of this alteration remains unclear.

NM_018979.4(WNK1):c.76A>G (p.Lys26Glu)

Gene: WNK1 (WNK lysine deficient protein kinase 1; plus strand). Cytogenetic location: 12p13.33.
Variant type: single nucleotide variant.
Coding change: c.76A>G on transcript NM_018979.4 (MANE Select); coding-DNA position 76, A replaced by G.
Protein change: p.Lys26Glu; replaces lysine 26 with glutamic acid.
Molecular consequence: missense variant.
Genome position (GRCh38, 1-based): chr12:753,641, A>G. VCF-style: chr12-753641-A-G. GRCh37 (hg19) VCF-style: chr12-862807-A-G.
Other names: c.76A>G, p.Lys26Glu (NM_001184985.2, NM_014823.3, NM_213655.5); short protein forms K26E.
Identifiers: ClinVar variation 1760196 (VCV001760196.6), dbSNP rs977121307, ClinGen allele CA231463670.